The following is an entry in ClinVar:

ClinVar aggregate classification (germline): Uncertain significance (1 of 4 stars; one submission).

Submission:

Labcorp Genetics (formerly Invitae), Labcorp
Classification: Uncertain significance. Last evaluated: 2022-06-28. Review status: criteria provided, single submitter. Criteria: Invitae Variant Classification Sherloc (09022015). Collection method: clinical testing. Allele origin: germline.
Comment: In summary, the available evidence is currently insufficient to determine the role of this variant in disease. Therefore, it has been classified as a Variant of Uncertain Significance. Advanced modeling of protein sequence and biophysical properties (such as structural, functional, and spatial information, amino acid conservation, physicochemical variation, residue mobility, and thermodynamic stability) performed at Invitae indicates that this missense variant is expected to disrupt AARS2 protein function. This variant has not been reported in the literature in individuals affected with AARS2-related conditions. This variant is not present in population databases (gnomAD no frequency). This sequence change replaces leucine, which is neutral and non-polar, with arginine, which is basic and polar, at codon 499 of the AARS2 protein (p.Leu499Arg).

NM_020745.4(AARS2):c.1496T>G (p.Leu499Arg)

Gene: AARS2 (alanyl-tRNA synthetase 2, mitochondrial; minus strand). Cytogenetic location: 6p21.1.
Variant type: single nucleotide variant.
Coding change: c.1496T>G on transcript NM_020745.4 (MANE Select); coding-DNA position 1496, T replaced by G.
Protein change: p.Leu499Arg; replaces leucine 499 with arginine.
Molecular consequence: missense variant.
Genome position (GRCh38, 1-based): chr6:44,305,137, A>C on the plus strand (T>G on the coding strand, the complement: AARS2 is on the minus strand). VCF-style: chr6-44305137-A-C. GRCh37 (hg19) VCF-style: chr6-44272874-A-C.
Other names: short protein forms L499R.
Identifiers: ClinVar variation 1355454 (VCV001355454.7), dbSNP rs2153354700, ClinGen allele CA364338892.